The following is an entry in ClinVar:

ClinVar aggregate classification (germline): Uncertain significance. Review status: criteria provided, multiple submitters, no conflicts (2 of 4 stars). 2 submissions from 2 submitters: Uncertain significance (2). Last evaluated 2024-03-06.

Conditions:
Hereditary cancer-predisposing syndrome. Also called: Hereditary neoplastic syndrome; Tumor predisposition; Neoplastic Syndromes, Hereditary; Hereditary Cancer Syndrome. Identifiers: Orphanet 140162, MedGen C0027672, MeSH D009386, MONDO:0015356.
Familial adenomatous polyposis 1 (FAP1). Also called: FAMILIAL ADENOMATOUS POLYPOSIS 1, ATTENUATED; POLYPOSIS, ADENOMATOUS INTESTINAL. Identifiers: MedGen C2713442, MONDO:0021056, OMIM 175100. Disease mechanism: loss of function.

Submissions (2):

Color Diagnostics, LLC DBA Color Health
Classification: Uncertain significance for Hereditary cancer-predisposing syndrome. Last evaluated: 2024-03-06. Review status: criteria provided, single submitter. Criteria: ACMG Guidelines, 2015. Collection method: clinical testing. Allele origin: germline.
Comment: This missense variant replaces proline with arginine at codon 1917 of the APC protein. Computational prediction suggests that this variant may not impact protein structure and function (internally defined REVEL score threshold <= 0.5, PMID: 27666373). To our knowledge, functional studies have not been reported for this variant. This variant has not been reported in individuals affected with hereditary cancer in the literature. This variant has not been identified in the general population by the Genome Aggregation Database (gnomAD). The available evidence is insufficient to determine the role of this variant in disease conclusively. Therefore, this variant is classified as a Variant of Uncertain Significance.

Labcorp Genetics (formerly Invitae), Labcorp
Classification: Uncertain significance for Familial adenomatous polyposis 1. Last evaluated: 2019-09-18. Review status: criteria provided, single submitter. Criteria: Invitae Variant Classification Sherloc (09022015). Collection method: clinical testing. Allele origin: germline.
Comment: This variant is not present in population databases (ExAC no frequency). This sequence change replaces proline with arginine at codon 1917 of the APC protein (p.Pro1917Arg). The proline residue is highly conserved and there is a moderate physicochemical difference between proline and arginine. This variant has not been reported in the literature in individuals with APC-related conditions. In summary, the available evidence is currently insufficient to determine the role of this variant in disease. Therefore, it has been classified as a Variant of Uncertain Significance. Algorithms developed to predict the effect of missense changes on protein structure and function are either unavailable or do not agree on the potential impact of this missense change (SIFT: "Tolerated"; PolyPhen-2: "Possibly Damaging"; Align-GVGD: "Class C0").

NM_000038.6(APC):c.5750C>G (p.Pro1917Arg)

Gene: APC (APC regulator of Wnt signaling pathway; plus strand). Cytogenetic location: 5q22.2.
Variant type: single nucleotide variant.
Coding change: c.5750C>G on transcript NM_000038.6 (MANE Select); coding-DNA position 5750, C replaced by G.
Protein change: p.Pro1917Arg; replaces proline 1917 with arginine.
Molecular consequence: missense variant.
Genome position (GRCh38, 1-based): chr5:112,841,344, C>G. VCF-style: chr5-112841344-C-G. GRCh37 (hg19) VCF-style: chr5-112177041-C-G.
Other names: c.5750C>G, p.Pro1917Arg (NM_001127510.3, NM_001354895.2); c.5696C>G, p.Pro1899Arg (NM_001127511.3); c.5804C>G, p.Pro1935Arg (NM_001354896.2); c.5780C>G, p.Pro1927Arg (NM_001354897.2); c.5675C>G, p.Pro1892Arg (NM_001354898.2); c.5666C>G, p.Pro1889Arg (NM_001354899.2); c.5627C>G, p.Pro1876Arg (NM_001354900.2); c.5573C>G, p.Pro1858Arg (NM_001354901.2); and 5 more; short protein forms P1935R, P1791R, P1826R, P1889R, P1892R, P1757R, P1876R, P1899R.
Identifiers: ClinVar variation 955431 (VCV000955431.13), dbSNP rs1766031609, ClinGen allele CA16033919.